The following is an entry in ClinVar:

NM_000141.5(FGFR2):c.1261C>T (p.Arg421Cys)

Gene: FGFR2 (fibroblast growth factor receptor 2; minus strand). Cytogenetic location: 10q26.13.
Variant type: single nucleotide variant.
Coding change: c.1261C>T on transcript NM_000141.5 (MANE Select); coding-DNA position 1261, C replaced by T.
Protein change: p.Arg421Cys; replaces arginine 421 with cysteine.
Molecular consequence: missense variant. On other transcripts: non-coding transcript variant (1), intron variant (1).
Genome position (GRCh38, 1-based): chr10:121,515,143, G>A on the plus strand (C>T on the coding strand, the complement: FGFR2 is on the minus strand). VCF-style: chr10-121515143-G-A. GRCh37 (hg19) VCF-style: chr10-123274657-G-A.
Other names: c.1264C>T, p.Arg422Cys (NM_001144913.1, NM_022970.4); c.925C>T, p.Arg309Cys (NM_001144914.1); c.994C>T, p.Arg332Cys (NM_001144915.2, NM_023029.3); c.916C>T, p.Arg306Cys (NM_001144916.2, NM_001144918.2); c.997C>T, p.Arg333Cys (NM_001144919.2); c.577C>T, p.Arg193Cys (NM_001320654.2); c.1261C>T, p.Arg421Cys (NM_001320658.2); c.939+4836C>T (NM_001144917.2); short protein forms R333C, R193C, R306C, R422C, R332C, R309C, R421C.
Identifiers: ClinVar variation 4024752 (VCV004024752.2).

ClinVar aggregate classification (germline): Uncertain significance. Review status: criteria provided, multiple submitters, no conflicts (2 of 4 stars). 2 submissions from 2 submitters: Uncertain significance (2). Last evaluated 2026-04-11.

Conditions:
Inborn genetic diseases. Identifiers: MedGen C0950123, MeSH D030342.

gnomAD v4.1: 4 of 1,614,072 alleles (0.00025%); highest among the groups gnomAD compares: African/African-American, 0.0013%; no homozygotes.

Submissions (2):

GeneDx
Classification: Uncertain significance. Last evaluated: 2026-04-11. Review status: criteria provided, single submitter. Criteria: GeneDx Variant Classification Process June 2021. Collection method: clinical testing. Allele origin: germline.
Comment: Not observed at significant frequency in large population cohorts (gnomAD); In silico analysis suggests that this missense variant does not alter protein structure/function; Has not been previously published as pathogenic or benign to our knowledge

Ambry Genetics
Classification: Uncertain significance for Inborn genetic diseases. Last evaluated: 2025-04-15. Review status: criteria provided, single submitter. Criteria: Ambry Variant Classification Scheme 2023. Collection method: clinical testing. Allele origin: germline.